The following is an entry in ClinVar:

ClinVar aggregate classification (germline): Uncertain significance. Review status: criteria provided, multiple submitters, no conflicts (2 of 4 stars). 4 submissions from 4 submitters: Uncertain significance (4). Last evaluated 2025-07-23.

Conditions:
Tuberous sclerosis 1 (TSC1). Identifiers: Orphanet 805, MedGen C1854465, MONDO:0008612, OMIM 191100.
Hereditary cancer-predisposing syndrome. Also called: Neoplastic Syndromes, Hereditary; Hereditary Cancer Syndrome; Hereditary neoplastic syndrome; Tumor predisposition. Identifiers: Orphanet 140162, MedGen C0027672, MeSH D009386, MONDO:0015356.
Tuberous sclerosis syndrome (TSC). Also called: Tuberous Sclerosis Complex; Tuberous sclerosis. Identifiers: Orphanet 805, MedGen C0041341, MONDO:0001734.

Submissions (4):

Color Diagnostics, LLC DBA Color Health
Classification: Uncertain significance for Tuberous sclerosis syndrome. Last evaluated: 2025-07-23. Review status: criteria provided, single submitter. Criteria: ACMG Guidelines, 2015. Collection method: clinical testing. Allele origin: germline.
Comment: This missense variant replaces valine with leucine at codon 135 of the TSC1 protein. Computational prediction suggests that this variant may have deleterious impact on protein structure and function. To our knowledge, functional studies have not been reported for this variant. This variant has not been reported in individuals affected with TSC1-related disorders in the literature. This variant has not been identified in the general population by the Genome Aggregation Database (gnomAD). The available evidence is insufficient to determine the role of this variant in disease conclusively. Therefore, this variant is classified as a Variant of Uncertain Significance.

Ambry Genetics
Classification: Uncertain significance for Hereditary cancer-predisposing syndrome. Last evaluated: 2025-07-15. Review status: criteria provided, single submitter. Criteria: Ambry Variant Classification Scheme 2023. Collection method: clinical testing. Allele origin: germline.
Comment: The p.V135L variant (also known as c.403G>T), located in coding exon 4 of the TSC1 gene, results from a G to T substitution at nucleotide position 403. The valine at codon 135 is replaced by leucine, an amino acid with highly similar properties. This amino acid position is conserved. In addition, this alteration is predicted to be deleterious by in silico analysis. Based on the available evidence, the clinical significance of this variant remains unclear.

All of Us Research Program, National Institutes of Health
Classification: Uncertain significance for Tuberous sclerosis syndrome. Last evaluated: 2023-05-08. Review status: criteria provided, single submitter. Criteria: ACMG Guidelines, 2015. Collection method: clinical testing. Allele origin: germline. Inheritance: Autosomal dominant inheritance. Observed: 1 variant allele, 1 heterozygote.
Comment: This study involves interpretation of variants in research participants for the purpose of population health screening. Participant phenotype was not available at the time of variant classification. Additional details can be found in publication PMID: 35346344, PMCID: PMC8962531

Labcorp Genetics (formerly Invitae), Labcorp
Classification: Uncertain significance for Tuberous sclerosis 1. Last evaluated: 2022-12-05. Review status: criteria provided, single submitter. Criteria: Invitae Variant Classification Sherloc (09022015). Collection method: clinical testing. Allele origin: germline.
Comment: This sequence change replaces valine, which is neutral and non-polar, with leucine, which is neutral and non-polar, at codon 135 of the TSC1 protein (p.Val135Leu). This variant is not present in population databases (gnomAD no frequency). This variant has not been reported in the literature in individuals affected with TSC1-related conditions. Advanced modeling of protein sequence and biophysical properties (such as structural, functional, and spatial information, amino acid conservation, physicochemical variation, residue mobility, and thermodynamic stability) performed at Invitae indicates that this missense variant is not expected to disrupt TSC1 protein function. In summary, the available evidence is currently insufficient to determine the role of this variant in disease. Therefore, it has been classified as a Variant of Uncertain Significance.

NM_000368.5(TSC1):c.403G>T (p.Val135Leu)

Gene: TSC1 (TSC complex subunit 1; minus strand). Cytogenetic location: 9q34.13.
Variant type: single nucleotide variant.
Coding change: c.403G>T on transcript NM_000368.5 (MANE Select); coding-DNA position 403, G replaced by T.
Protein change: p.Val135Leu; replaces valine 135 with leucine.
Molecular consequence: missense variant. On other transcripts: 5 prime UTR variant (5), non-coding transcript variant (5).
Genome position (GRCh38, 1-based): chr9:132,923,453, C>A on the plus strand (G>T on the coding strand, the complement: TSC1 is on the minus strand). VCF-style: chr9-132923453-C-A. GRCh37 (hg19) VCF-style: chr9-135798840-C-A.
Other names: c.403G>T, p.Val135Leu (NM_001162426.2, NM_001406592.1, NM_001406593.1 and 16 more transcripts); c.250G>T, p.Val84Leu (NM_001162427.2, NM_001406613.1, NM_001406610.1 and 2 more transcripts); c.40G>T, p.Val14Leu (NM_001362177.2, NM_001406614.1, NM_001406615.1 and 10 more transcripts); c.-475G>T (NM_001406626.1, NM_001406627.1, NM_001406628.1); c.-617G>T (NM_001406629.1); c.-691G>T (NM_001406630.1); short protein forms V135L, V84L, V14L.
Identifiers: ClinVar variation 2818741 (VCV002818741.6), dbSNP rs1588350708, ClinGen allele CA375373599.